The following is an entry in ClinVar:

NM_001267550.2(TTN):c.87470_87471del (p.Leu29157fs)

Genes: TTN (titin; minus strand), TTN-AS1 (TTN antisense RNA 1; plus strand). Cytogenetic location: 2q31.2.
Variant type: Microsatellite.
Coding change: c.87470_87471del on transcript NM_001267550.2 (MANE Select); coding-DNA positions 87470 to 87471, 2 bases deleted (TC; older notation c.87470_87471delTC).
Protein change: p.Leu29157fs; shifts the reading frame from leucine 29157.
Molecular consequence: frameshift variant.
Genome position (GRCh38, 1-based): chr2:178,557,883-178,557,884, GA deleted on the plus strand (TC on the coding strand, the reverse complement: TTN is on the minus strand); deleting any 2 consecutive bases within chr2:178,557,883-178,557,887 gives the same sequence; the c. name uses the placement nearest the transcript's 3' end. VCF-style (leftmost placement, unchanged base first): chr2-178557882-TGA-T. GRCh37 (hg19) VCF-style: chr2-179422609-TGA-T.
Other names: c.82547_82548del, p.Leu27516fs (NM_001256850.1); c.60275_60276del, p.Leu20092fs (NM_003319.4); c.79766_79767del, p.Leu26589fs (NM_133378.4); c.60650_60651del, p.Leu20217fs (NM_133432.3); c.60851_60852del, p.Leu20284fs (NM_133437.4); short protein forms L20092fs, L20217fs, L20284fs, L27516fs, L29157fs, L26589fs.
Identifiers: ClinVar variation 1345861 (VCV001345861.6), dbSNP rs2154155985, ClinGen allele CA2580614452.

ClinVar aggregate classification (germline): Likely pathogenic (1 of 4 stars; one submission).

Conditions:
Dilated cardiomyopathy 1G (CMD1G). Identifiers: Orphanet 154, MedGen C1858763, MONDO:0011400, OMIM 604145.
Autosomal recessive limb-girdle muscular dystrophy type 2J (LGMDR10). Also called: Limb-girdle muscular dystrophy, type 2J; MUSCULAR DYSTROPHY, LIMB-GIRDLE, AUTOSOMAL RECESSIVE 10. Identifiers: Orphanet 140922, MedGen C1837342, MONDO:0012127, OMIM 608807.

Submission:

Labcorp Genetics (formerly Invitae), Labcorp
Classification: Likely pathogenic for Dilated cardiomyopathy 1G; Autosomal recessive limb-girdle muscular dystrophy type 2J. Last evaluated: 2021-09-11. Review status: criteria provided, single submitter. Criteria: Invitae Variant Classification Sherloc (09022015). Collection method: clinical testing. Allele origin: germline.
Comment: This variant is not present in population databases (ExAC no frequency). This variant has not been reported in the literature in individuals affected with TTN-related conditions. In summary, the currently available evidence indicates that the variant is pathogenic, but additional data are needed to prove that conclusively. Therefore, this variant has been classified as Likely Pathogenic. This sequence change creates a premature translational stop signal (p.Leu29157Glnfs*6) in the TTN gene. While this is not anticipated to result in nonsense mediated decay, it is expected to create a truncated TTN protein. This variant is located in the A band of TTN (PMID: 25589632). Truncating variants in this region are significantly overrepresented in patients affected with dilated cardiomyopathy (PMID: 25589632). Truncating variants in this region have also been reported in individuals affected with autosomal recessive centronuclear myopathy (PMID: 23975875).

Literature cited by the submitters: PubMed 25589632; PubMed 23975875.